The following is an entry in ClinVar:

NM_000540.3(RYR1):c.7206G>A (p.Arg2402=)

Gene: RYR1 (ryanodine receptor 1; plus strand). Cytogenetic location: 19q13.2.
Variant type: single nucleotide variant.
Coding change: c.7206G>A on transcript NM_000540.3 (MANE Select); coding-DNA position 7206, G replaced by A.
Protein change: p.Arg2402=; no amino-acid change (arginine 2402 retained).
Molecular consequence: synonymous variant.
Genome position (GRCh38, 1-based): chr19:38,499,813, G>A. VCF-style: chr19-38499813-G-A. GRCh37 (hg19) VCF-style: chr19-38990453-G-A.
Other names: c.7206G>A, p.Arg2402= (NM_001042723.2).
Identifiers: ClinVar variation 2831426 (VCV002831426.5), dbSNP rs2514314262, ClinGen allele CA507353930.

ClinVar aggregate classification (germline): Likely benign. Review status: criteria provided, multiple submitters, no conflicts (2 of 4 stars). 3 submissions from 3 submitters: Likely benign (3). Last evaluated 2023-02-15.

Conditions:
RYR1-related disorder. Also called: RYR1-related condition; RYR1-related disorders. Identifiers: MedGen CN239331.
Malignant hyperthermia, susceptibility to, 1 (MHS1). Also called: Anesthesia related hyperthermia; Malignant hyperpyrexia; Fulminating hyperpyrexia; Pharmacogenic myopathy; RYR1-Related Malignant Hyperthermia Susceptibility; Malignant hyperthermia suceptibility 1. Identifiers: Orphanet 423, MedGen C2930980, MONDO:0007783, OMIM 145600.

Submissions (3):

All of Us Research Program, National Institutes of Health
Classification: Likely benign for Malignant hyperthermia, susceptibility to, 1. Last evaluated: 2023-02-15. Review status: criteria provided, single submitter. Criteria: ACMG Guidelines, 2015. Collection method: clinical testing. Allele origin: germline. Inheritance: Autosomal dominant inheritance. Observed: 1 variant allele, 1 heterozygote.
Comment: This study involves interpretation of variants in research participants for the purpose of population health screening. Participant phenotype was not available at the time of variant classification. Additional details can be found in publication PMID: 35346344, PMCID: PMC8962531

Labcorp Genetics (formerly Invitae), Labcorp
Classification: Likely benign for RYR1-related disorder. Last evaluated: 2023-01-24. Review status: criteria provided, single submitter. Criteria: Invitae Variant Classification Sherloc (09022015). Collection method: clinical testing. Allele origin: germline.

Color Diagnostics, LLC DBA Color Health
Classification: Likely benign for Malignant hyperthermia, susceptibility to, 1. Last evaluated: 2022-12-08. Review status: criteria provided, single submitter. Criteria: ACMG Guidelines, 2015. Collection method: clinical testing. Allele origin: germline.